The following is an entry in ClinVar:

NM_000080.4(CHRNE):c.509C>G (p.Thr170Arg)

Genes: C17orf107 (chromosome 17 open reading frame 107; plus strand), CHRNE (cholinergic receptor nicotinic epsilon subunit; minus strand). Cytogenetic location: 17p13.2.
Variant type: single nucleotide variant.
Coding change: c.509C>G on transcript NM_000080.4 (MANE Select); coding-DNA position 509, C replaced by G.
Protein change: p.Thr170Arg; replaces threonine 170 with arginine.
Molecular consequence: missense variant. On other transcripts: 3 prime UTR variant (1).
Genome position (GRCh38, 1-based): chr17:4,901,617, G>C on the plus strand (C>G on the coding strand, the complement: CHRNE is on the minus strand). VCF-style: chr17-4901617-G-C. GRCh37 (hg19) VCF-style: chr17-4804912-G-C.
Other names: c.*1084G>C (NM_001145536.2); short protein forms T170R.
Identifiers: ClinVar variation 534254 (VCV000534254.11), dbSNP rs375652301, ClinGen allele CA8314372.

ClinVar aggregate classification (germline): Uncertain significance. Review status: criteria provided, multiple submitters, no conflicts (2 of 4 stars). 5 submissions from 5 submitters: Uncertain significance (4). 1 of the submissions does not count toward it. Last evaluated 2025-11-28.

Conditions:
Congenital myasthenic syndrome 4A. Also called: CONGENITAL MYASTHENIC SYNDROME TYPE Ia1; Myasthenic syndrome, congenital, 4a, slow-channel; MYASTHENIC SYNDROME, CONGENITAL, 4A, SLOW-CHANNEL, AUTOSOMAL RECESSIVE. Identifiers: Orphanet 590, MedGen C4225413, MONDO:0011600, OMIM 605809.
Inborn genetic diseases. Identifiers: MedGen C0950123, MeSH D030342.
Congenital myasthenic syndrome (CMS). Also called: Congenital Myasthenic Syndromes. Identifiers: Orphanet 590, MedGen C0751882, MeSH D020294, MONDO:0018940.

Allele frequency attached by ClinVar (database versions not stated): ExAC 0.00003; gnomAD 0.00003 and 0.00005; TOPMed 0.00006; ESP Exome Variant Server 0.00015; 1000 Genomes Project 30x 0.00031; 1000 Genomes Project 0.00040.
gnomAD v4.1: 26 of 1,614,022 alleles (0.0016%); highest among the groups gnomAD compares: South Asian, 0.0033%; no homozygotes.

Submissions (5):

Labcorp Genetics (formerly Invitae), Labcorp
Classification: Uncertain significance for Congenital myasthenic syndrome 4A. Last evaluated: 2025-11-28. Review status: criteria provided, single submitter. Criteria: Invitae Variant Classification Sherloc (09022015). Collection method: clinical testing. Allele origin: germline.
Comment: This sequence change replaces threonine, which is neutral and polar, with arginine, which is basic and polar, at codon 170 of the CHRNE protein (p.Thr170Arg). This variant is present in population databases (rs375652301, gnomAD 0.05%). This variant has not been reported in the literature in individuals affected with CHRNE-related conditions. ClinVar contains an entry for this variant (Variation ID: 534254). Invitae Evidence Modeling of protein sequence and biophysical properties (such as structural, functional, and spatial information, amino acid conservation, physicochemical variation, residue mobility, and thermodynamic stability) has been performed for this missense variant. However, the output from this modeling did not meet the statistical confidence thresholds required to predict the impact of this variant on CHRNE protein function. In summary, the available evidence is currently insufficient to determine the role of this variant in disease. Therefore, it has been classified as a Variant of Uncertain Significance.

Ambry Genetics
Classification: Uncertain significance for Inborn genetic diseases. Last evaluated: 2025-09-22. Review status: criteria provided, single submitter. Criteria: Ambry Variant Classification Scheme 2023. Collection method: clinical testing. Allele origin: germline.

MGZ Medical Genetics Center
Classification: Uncertain significance for Congenital myasthenic syndrome 4A. Last evaluated: 2021-09-28. Review status: criteria provided, single submitter. Criteria: ACMG Guidelines, 2015. Collection method: clinical testing. Allele origin: germline. Affected: yes. Observed: 1 variant allele.
Comment: ACMG criteria applied: PM2_SUP, PP3

Revvity Omics, Revvity
Classification: Uncertain significance. Last evaluated: 2019-05-01. Review status: criteria provided, single submitter. Criteria: ACMG Guidelines, 2015. Collection method: clinical testing. Allele origin: germline.

Natera, Inc.
Classification: Uncertain significance for Congenital myasthenic syndrome. Last evaluated: 2019-10-28. Review status: no assertion criteria provided. Collection method: clinical testing. Allele origin: germline. Not counted in ClinVar's aggregate classification.